The following is an entry in ClinVar:

NM_030810.5(TXNDC5):c.808G>T (p.Asp270Tyr)

Genes: BLOC1S5-TXNDC5 (BLOC1S5-TXNDC5 readthrough (NMD candidate); minus strand), TXNDC5 (thioredoxin domain containing 5; minus strand). Cytogenetic location: 6p24.3.
Variant type: single nucleotide variant.
Coding change: c.808G>T on transcript NM_030810.5 (MANE Select); coding-DNA position 808, G replaced by T.
Protein change: p.Asp270Tyr; replaces aspartic acid 270 with tyrosine.
Molecular consequence: missense variant. On other transcripts: non-coding transcript variant (1).
Genome position (GRCh38, 1-based): chr6:7,889,506, C>A on the plus strand (G>T on the coding strand, the complement: TXNDC5 is on the minus strand). VCF-style: chr6-7889506-C-A. GRCh37 (hg19) VCF-style: chr6-7889739-C-A.
Other names: c.484G>T, p.Asp162Tyr (NM_001145549.4); short protein forms D162Y, D270Y.
Identifiers: ClinVar variation 3348735 (VCV003348735.2).

ClinVar aggregate classification (germline): Uncertain significance (1 of 4 stars; one submission).

Conditions:
TXNDC5-related condition.

Submission:

PreventionGenetics, part of Exact Sciences
Classification: Uncertain significance for TXNDC5-related condition. Last evaluated: 2025-12-09. Review status: criteria provided, single submitter. Criteria: ACMG Guidelines, 2015. Collection method: clinical testing. Allele origin: germline.
Comment: The TXNDC5 c.808G>T variant is predicted to result in the amino acid substitution p.Asp270Tyr. To our knowledge, this variant has not been reported in the literature or in a large population database (gnomAD), indicating this variant is rare. At this time, the clinical significance of this variant is uncertain due to the absence of conclusive functional and genetic evidence.